The following is an entry in ClinVar:

ClinVar aggregate classification (germline): Uncertain significance (1 of 4 stars; one submission).

Conditions:
Combined oxidative phosphorylation defect type 13. Also called: Combined oxidative phosphorylation deficiency 13. Identifiers: Orphanet 319514, MedGen C4706283, MONDO:0013977, OMIM 614932.

gnomAD v4.1: 3 of 1,613,558 alleles (0.00019%); highest among the groups gnomAD compares: East Asian, 0.0045%; no homozygotes.

Submission:

Baylor Genetics
Classification: Uncertain significance for Combined oxidative phosphorylation defect type 13. Last evaluated: 2018-09-28. Review status: criteria provided, single submitter. Criteria: ACMG Guidelines, 2015. Collection method: clinical testing. Allele origin: maternal. Affected: yes.
Comment: This variant was determined to be of uncertain significance according to ACMG Guidelines, 2015 [PMID:25741868].

NM_033109.5(PNPT1):c.274C>G (p.Pro92Ala)

Gene: PNPT1 (polyribonucleotide nucleotidyltransferase 1; minus strand). Cytogenetic location: 2p16.1.
Variant type: single nucleotide variant.
Coding change: c.274C>G on transcript NM_033109.5 (MANE Select); coding-DNA position 274, C replaced by G.
Protein change: p.Pro92Ala; replaces proline 92 with alanine.
Molecular consequence: missense variant.
Genome position (GRCh38, 1-based): chr2:55,686,393, G>C on the plus strand (C>G on the coding strand, the complement: PNPT1 is on the minus strand). VCF-style: chr2-55686393-G-C. GRCh37 (hg19) VCF-style: chr2-55913528-G-C.
Other names: short protein forms P92A.
Identifiers: ClinVar variation 1034188 (VCV001034188.1), dbSNP rs750110394, ClinGen allele CA346941851.